The following is an entry in ClinVar:

NM_001943.5(DSG2):c.1311G>A (p.Trp437Ter)

Gene: DSG2 (desmoglein 2; plus strand). Cytogenetic location: 18q12.1.
Variant type: single nucleotide variant.
Coding change: c.1311G>A on transcript NM_001943.5 (MANE Select); coding-DNA position 1311, G replaced by A.
Protein change: p.Trp437Ter; replaces tryptophan 437 with a stop codon.
Molecular consequence: nonsense.
Genome position (GRCh38, 1-based): chr18:31,535,300, G>A. VCF-style: chr18-31535300-G-A. GRCh37 (hg19) VCF-style: chr18-29115263-G-A.
Other names: short protein forms W437*.
Identifiers: ClinVar variation 2444696 (VCV002444696.1), dbSNP rs1251838628, ClinGen allele CA402140290.
Genomic context (GRCh38, chr18:31,535,300, plus strand): 5'-AAAATTAATTTTATGTTTGTTTTATGACAGATATGTAAAATTAGAAGATAGAGATAATTG[G>A]ATCTCTGTGGATTCTGTCACATCTGAAATTAAACTTGCAAAACTTCCTGATTTTGAATCT-3'

ClinVar aggregate classification (germline): Likely pathogenic (1 of 4 stars; one submission).

Submission:

GeneDx
Classification: Likely pathogenic. Last evaluated: 2022-09-14. Review status: criteria provided, single submitter. Criteria: GeneDx Variant Classification Process June 2021. Collection method: clinical testing. Allele origin: germline. Affected: yes.
Comment: Reported in association with arrhythmogenic right ventricular cardiomyopathy; however, detailed clinical information was not provided (Brun et al., 2014); Not observed at significant frequency in large population cohorts (gnomAD); Nonsense variant predicted to result in protein truncation or nonsense mediated decay in a gene for which loss of function is a known mechanism of disease; This variant is associated with the following publications: (PMID: 31402444, 25157032)